The following is an entry in ClinVar:

ClinVar aggregate classification (germline): Benign/Likely benign. Review status: criteria provided, multiple submitters, no conflicts (2 of 4 stars). 3 submissions from 3 submitters: Benign (1); Likely benign (2). Last evaluated 2025-02-03.

Conditions:
Hereditary cancer-predisposing syndrome. Also called: Hereditary neoplastic syndrome; Neoplastic Syndromes, Hereditary; Tumor predisposition; Hereditary Cancer Syndrome. Identifiers: Orphanet 140162, MedGen C0027672, MeSH D009386, MONDO:0015356.
Multiple endocrine neoplasia, type 1 (MEN1). Also called: MEA I; MEN I; WERMER SYNDROME; Endocrine adenomatosis multiple; MEN 1. Identifiers: Orphanet 652, MedGen C0025267, MeSH D018761, MONDO:0007540, OMIM 131100.

Submissions (3):

Labcorp Genetics (formerly Invitae), Labcorp
Classification: Likely benign for Multiple endocrine neoplasia, type 1. Last evaluated: 2025-02-03. Review status: criteria provided, single submitter. Criteria: Invitae Variant Classification Sherloc (09022015). Collection method: clinical testing. Allele origin: germline.

Myriad Genetics, Inc.
Classification: Benign for Multiple endocrine neoplasia, type 1. Last evaluated: 2024-11-05. Review status: criteria provided, single submitter. Criteria: Myriad Autosomal Dominant, Autosomal Recessive and X-Linked Classification Criteria (2023). Collection method: clinical testing. Allele origin: unknown.
Comment: This variant is considered benign. This variant is a silent/synonymous amino acid change and it is not expected to impact splicing.

Ambry Genetics
Classification: Likely benign for Hereditary cancer-predisposing syndrome. Last evaluated: 2023-07-01. Review status: criteria provided, single submitter. Criteria: Ambry Variant Classification Scheme 2023. Collection method: clinical testing. Allele origin: germline.

NM_001370259.2(MEN1):c.1806C>T (p.Phe602=)

Gene: MEN1 (menin 1; minus strand). Cytogenetic location: 11q13.1.
Variant type: single nucleotide variant.
Coding change: c.1806C>T on transcript NM_001370259.2 (MANE Select); coding-DNA position 1806, C replaced by T.
Protein change: p.Phe602=; no amino-acid change (phenylalanine 602 retained).
Molecular consequence: synonymous variant.
Genome position (GRCh38, 1-based): chr11:64,804,361, G>A on the plus strand (C>T on the coding strand, the complement: MEN1 is on the minus strand). VCF-style: chr11-64804361-G-A. GRCh37 (hg19) VCF-style: chr11-64571833-G-A.
Other names: c.1821C>T, p.Phe607= (NM_000244.4, NM_130800.3, NM_130801.3 and 3 more transcripts); c.1932C>T, p.Phe644= (NM_001370251.2); c.1806C>T, p.Phe602= (NM_001370260.2, NM_001370261.2, NM_130799.3); c.1701C>T, p.Phe567= (NM_001370262.2, NM_001370263.2).
Identifiers: ClinVar variation 412571 (VCV000412571.12), dbSNP rs1060503794, ClinGen allele CA16613659.